The following is an entry in ClinVar:

NM_001384900.1(SEMA3D):c.718+10T>G

Gene: SEMA3D (semaphorin 3D; minus strand). Cytogenetic location: 7q21.11.
Variant type: single nucleotide variant.
Coding change: c.718+10T>G on transcript NM_001384900.1 (MANE Select); 10 bases into the intron after coding-DNA position 718, T replaced by G.
Molecular consequence: intron variant.
Genome position (GRCh38, 1-based): chr7:85,065,414, A>C on the plus strand (T>G on the coding strand, the complement: SEMA3D is on the minus strand). VCF-style: chr7-85065414-A-C. GRCh37 (hg19) VCF-style: chr7-84694730-A-C.
Other names: c.718+10T>G (NM_001384901.1, NM_001384903.1, NM_001384902.1 and 1 more transcripts).
Identifiers: ClinVar variation 3351950 (VCV003351950.1).

ClinVar aggregate classification (germline): Likely benign (0 of 4 stars; one submission).

Conditions:
SEMA3D-related disorder. Also called: SEMA3D-related condition.

gnomAD v4.1: 15 of 1,612,004 alleles (0.00093%); highest among the groups gnomAD compares: Admixed American, 0.022%; no homozygotes.

Submission:

PreventionGenetics, part of Exact Sciences
Classification: Likely benign for SEMA3D-related condition. Last evaluated: 2021-07-26. Review status: no assertion criteria provided. Collection method: clinical testing. Allele origin: germline.
Comment: This variant is classified as likely benign based on ACMG/AMP sequence variant interpretation guidelines (Richards et al. 2015 PMID: 25741868, with internal and published modifications).